The following is an entry in ClinVar:

NM_006204.4(PDE6C):c.1317C>T (p.Tyr439=)

Gene: PDE6C (phosphodiesterase 6C; plus strand). Cytogenetic location: 10q23.33.
Variant type: single nucleotide variant.
Coding change: c.1317C>T on transcript NM_006204.4 (MANE Select); coding-DNA position 1317, C replaced by T.
Protein change: p.Tyr439=; no amino-acid change (tyrosine 439 retained).
Molecular consequence: synonymous variant.
Genome position (GRCh38, 1-based): chr10:93,635,544, C>T. VCF-style: chr10-93635544-C-T. GRCh37 (hg19) VCF-style: chr10-95395301-C-T.
Other names: c.1317C>T (NM_006204.3).
Identifiers: ClinVar variation 1154971 (VCV001154971.11), dbSNP rs367597865, ClinGen allele CA5610147.

ClinVar aggregate classification (germline): Likely benign. Review status: criteria provided, multiple submitters, no conflicts (2 of 4 stars). 3 submissions from 3 submitters: Likely benign (3). Last evaluated 2025-11-03.

Conditions:
PDE6C-related disorder. Also called: PDE6C-related condition.

Allele frequency attached by ClinVar (database versions not stated): gnomAD exomes 0.00005 and 0.00007; ExAC 0.00007; ESP Exome Variant Server 0.00008; gnomAD 0.00011 and 0.00013.
gnomAD v4.1: 123 of 1,611,940 alleles (0.0076%); highest among the groups gnomAD compares: Middle Eastern, 0.049%; no homozygotes.

Submissions (3):

Labcorp Genetics (formerly Invitae), Labcorp
Classification: Likely benign. Last evaluated: 2025-11-03. Review status: criteria provided, single submitter. Criteria: Invitae Variant Classification Sherloc (09022015). Collection method: clinical testing. Allele origin: germline.

PreventionGenetics, part of Exact Sciences
Classification: Likely benign for PDE6C-related condition. Last evaluated: 2025-05-22. Review status: criteria provided, single submitter. Criteria: ACMG Guidelines, 2015. Collection method: clinical testing. Allele origin: germline.
Comment: This variant is classified as likely benign based on ACMG/AMP sequence variant interpretation guidelines (Richards et al. 2015 PMID: 25741868, with internal and published modifications).

Blueprint Genetics
Classification: Likely benign. Last evaluated: 2024-08-21. Review status: criteria provided, single submitter. Criteria: ACMG Guidelines, 2015. Collection method: clinical testing. Allele origin: germline.